The following is an entry in ClinVar:

ClinVar aggregate classification (germline): Uncertain significance (1 of 4 stars; one submission).

Submission:

Dasa
Classification: Uncertain significance. Last evaluated: 2025-10-16. Review status: criteria provided, single submitter. Criteria: DASA Assertion Criteria. Collection method: clinical testing. Allele origin: germline.
Comment: NM_032119.4(ADGRV1):c.17606A>G (p.Asp5869Gly) is a missense variant that results in the substitution of aspartic acid with glycine. This variant is absent from population databases. Computational prediction algorithms are consistent with a deleterious effect. The currently available literature and clinical evidence are not sufficient to establish a definitive association between this variant and the reported condition. Therefore, this variant is classified as a variant of uncertain significance.

NM_032119.4(ADGRV1):c.17606A>G (p.Asp5869Gly)

Gene: ADGRV1 (adhesion G protein-coupled receptor V1; plus strand). Cytogenetic location: 5q14.3.
Variant type: single nucleotide variant.
Coding change: c.17606A>G on transcript NM_032119.4 (MANE Select); coding-DNA position 17606, A replaced by G.
Protein change: p.Asp5869Gly; replaces aspartic acid 5869 with glycine.
Molecular consequence: missense variant. On other transcripts: non-coding transcript variant (1).
Genome position (GRCh38, 1-based): chr5:90,855,752, A>G. VCF-style: chr5-90855752-A-G. GRCh37 (hg19) VCF-style: chr5-90151569-A-G.
Other names: short protein forms D5869G.
Identifiers: ClinVar variation 4881075 (VCV004881075.2).